The following is an entry in ClinVar:

NM_019109.5(ALG1):c.1358G>T (p.Trp453Leu)

Genes: EEF2KMT (eukaryotic elongation factor 2 lysine methyltransferase; minus strand), ALG1 (ALG1 chitobiosyldiphosphodolichol beta-mannosyltransferase; plus strand). Cytogenetic location: 16p13.3.
Variant type: single nucleotide variant.
Coding change: c.1358G>T on transcript NM_019109.5 (MANE Select); coding-DNA position 1358, G replaced by T.
Protein change: p.Trp453Leu; replaces tryptophan 453 with leucine.
Molecular consequence: missense variant. On other transcripts: 3 prime UTR variant (3).
Genome position (GRCh38, 1-based): chr16:5,084,844, G>T. VCF-style: chr16-5084844-G-T. GRCh37 (hg19) VCF-style: chr16-5134845-G-T.
Other names: c.*788C>A (NM_001289029.2, NM_201400.4, NM_201598.4); c.1025G>T, p.Trp342Leu (NM_001330504.2); short protein forms W453L, W342L.
Identifiers: ClinVar variation 2149338 (VCV002149338.1), dbSNP rs1957095637, ClinGen allele CA394674991.

ClinVar aggregate classification (germline): Uncertain significance (1 of 4 stars; one submission).

Conditions:
ALG1-congenital disorder of glycosylation. Also called: CDG Ik; ALG1-CDG; CONGENITAL DISORDER OF GLYCOSYLATION, TYPE Ik. Identifiers: Orphanet 79327, MedGen C2931005, MONDO:0012052, OMIM 608540.

Allele frequency attached by ClinVar (database versions not stated): gnomAD 0.00001; TOPMed 0.00001.
gnomAD v4.1: 2 of 1,596,340 alleles (0.00013%); highest among the groups gnomAD compares: African/African-American, 0.0013%; no homozygotes.

Submission:

Labcorp Genetics (formerly Invitae), Labcorp
Classification: Uncertain significance for ALG1-congenital disorder of glycosylation. Last evaluated: 2022-03-12. Review status: criteria provided, single submitter. Criteria: Invitae Variant Classification Sherloc (09022015). Collection method: clinical testing. Allele origin: germline.
Comment: This sequence change replaces tryptophan, which is neutral and slightly polar, with leucine, which is neutral and non-polar, at codon 453 of the ALG1 protein (p.Trp453Leu). This variant is not present in population databases (gnomAD no frequency). This variant has not been reported in the literature in individuals affected with ALG1-related conditions. Advanced modeling of protein sequence and biophysical properties (such as structural, functional, and spatial information, amino acid conservation, physicochemical variation, residue mobility, and thermodynamic stability) performed at Invitae indicates that this missense variant is expected to disrupt ALG1 protein function. In summary, the available evidence is currently insufficient to determine the role of this variant in disease. Therefore, it has been classified as a Variant of Uncertain Significance.